The following is an entry in ClinVar:

NM_016653.3(MAP3K20):c.2009G>A (p.Arg670Lys)

Genes: MAP3K20 (mitogen-activated protein kinase kinase kinase 20; plus strand), MAP3K20-AS1 (MAP3K20 antisense RNA 1; minus strand). Cytogenetic location: 2q31.1.
Variant type: single nucleotide variant.
Coding change: c.2009G>A on transcript NM_016653.3 (MANE Select); coding-DNA position 2009, G replaced by A.
Protein change: p.Arg670Lys; replaces arginine 670 with lysine.
Molecular consequence: missense variant.
Genome position (GRCh38, 1-based): chr2:173,266,356, G>A. VCF-style: chr2-173266356-G-A. GRCh37 (hg19) VCF-style: chr2-174131084-G-A.
Other names: short protein forms R670K.
Identifiers: ClinVar variation 1462934 (VCV001462934.4), dbSNP rs756320487, ClinGen allele CA1971009.

ClinVar aggregate classification (germline): Uncertain significance (1 of 4 stars; one submission).

Allele frequency attached by ClinVar (database versions not stated): gnomAD exomes below 0.00001; ExAC 0.00001.
gnomAD v4.1: 1 of 1,614,162 alleles (0.000062%); highest among the groups gnomAD compares: Admixed American, 0.0017%; no homozygotes.

Submission:

Labcorp Genetics (formerly Invitae), Labcorp
Classification: Uncertain significance. Last evaluated: 2022-07-19. Review status: criteria provided, single submitter. Criteria: Invitae Variant Classification Sherloc (09022015). Collection method: clinical testing. Allele origin: germline.
Comment: In summary, the available evidence is currently insufficient to determine the role of this variant in disease. Therefore, it has been classified as a Variant of Uncertain Significance. Experimental studies and prediction algorithms are not available or were not evaluated, and the functional significance of this variant is currently unknown. ClinVar contains an entry for this variant (Variation ID: 1462934). This variant has not been reported in the literature in individuals affected with MAP3K20-related conditions. This variant is present in population databases (rs756320487, gnomAD 0.003%). This sequence change replaces arginine, which is basic and polar, with lysine, which is basic and polar, at codon 670 of the MAP3K20 protein (p.Arg670Lys).